The following is an entry in ClinVar:

ClinVar aggregate classification (germline): Likely benign. Review status: criteria provided, multiple submitters, no conflicts (2 of 4 stars). 5 submissions from 5 submitters: Likely benign (4). 1 of the submissions does not count toward it. Last evaluated 2025-12-23.

Conditions:
Familial melanoma. Also called: Hereditary melanoma; Hereditary cutaneous melanoma. Identifiers: Orphanet 618, MedGen C1512419, MONDO:0018961.
Melanoma, cutaneous malignant, susceptibility to, 3. Also called: Cutaneous malignant melanoma 3. Identifiers: Orphanet 618, MedGen C1836892, MONDO:0012183, OMIM 609048.

Allele frequency attached by ClinVar (database versions not stated): gnomAD exomes below 0.00001; TOPMed below 0.00001; gnomAD 0.00001.
gnomAD v4.1: 24 of 1,614,154 alleles (0.0015%); highest among the groups gnomAD compares: East Asian, 0.0022%; 1 homozygote.

Submissions (5):

Labcorp Genetics (formerly Invitae), Labcorp
Classification: Likely benign for Familial melanoma. Last evaluated: 2025-12-23. Review status: criteria provided, single submitter. Criteria: Invitae Variant Classification Sherloc (09022015). Collection method: clinical testing. Allele origin: germline.

Myriad Genetics, Inc.
Classification: Likely benign for Melanoma, cutaneous malignant, susceptibility to, 3. Last evaluated: 2023-03-07. Review status: criteria provided, single submitter. Criteria: Myriad Autosomal Dominant, Autosomal Recessive and X-Linked Classification Criteria (2023). Collection method: clinical testing. Allele origin: unknown.
Comment: This variant is considered likely benign. This variant is intronic and is not expected to impact mRNA splicing.

PreventionGenetics, part of Exact Sciences
Classification: Likely benign. Last evaluated: 2017-05-04. Review status: criteria provided, single submitter. Criteria: ACMG Guidelines, 2015. Collection method: clinical testing. Allele origin: germline.

GeneDx
Classification: Likely benign. Last evaluated: 2017-01-04. Review status: criteria provided, single submitter. Criteria: GeneDx Variant Classification (06012015). Collection method: clinical testing. Allele origin: germline. Affected: yes.
Comment: This variant is considered likely benign or benign based on one or more of the following criteria: it is a conservative change, it occurs at a poorly conserved position in the protein, it is predicted to be benign by multiple in silico algorithms, and/or has population frequency not consistent with disease.

Counsyl
Classification: Likely benign for Melanoma, cutaneous malignant, susceptibility to, 3. Last evaluated: 2018-03-26. Review status: no assertion criteria provided. Collection method: clinical testing. Allele origin: unknown. Not counted in ClinVar's aggregate classification.

NM_000075.4(CDK4):c.355-12C>T

Gene: CDK4 (cyclin dependent kinase 4; minus strand). Cytogenetic location: 12q14.1.
Variant type: single nucleotide variant.
Coding change: c.355-12C>T on transcript NM_000075.4 (MANE Select); 12 bases into the intron before coding-DNA position 355, C replaced by T.
Molecular consequence: intron variant.
Genome position (GRCh38, 1-based): chr12:57,751,102, G>A on the plus strand (C>T on the coding strand, the complement: CDK4 is on the minus strand). VCF-style: chr12-57751102-G-A. GRCh37 (hg19) VCF-style: chr12-58144885-G-A.
Other names: c.355-12C>T (LRG_490t1).
Identifiers: ClinVar variation 392783 (VCV000392783.11), dbSNP rs1004281478, ClinGen allele CA16606360.